The following is an entry in ClinVar:

NM_001128148.3(TFRC):c.585-15T>A

Gene: TFRC (transferrin receptor; minus strand). Cytogenetic location: 3q29.
Variant type: single nucleotide variant.
Coding change: c.585-15T>A on transcript NM_001128148.3 (MANE Select); 15 bases into the intron before coding-DNA position 585, T replaced by A.
Molecular consequence: intron variant.
Genome position (GRCh38, 1-based): chr3:196,071,513, A>T on the plus strand (T>A on the coding strand, the complement: TFRC is on the minus strand). VCF-style: chr3-196071513-A-T. GRCh37 (hg19) VCF-style: chr3-195798384-A-T.
Other names: c.-262-15T>A (NM_001313966.2); c.342-15T>A (NM_001313965.2); c.585-15T>A (NM_003234.4).
Identifiers: ClinVar variation 4695454 (VCV004695454.1).

ClinVar aggregate classification (germline): Uncertain significance (1 of 4 stars; one submission).

gnomAD v4.1: 5 of 1,610,348 alleles (0.00031%); highest among the groups gnomAD compares: Non-Finnish European, 0.00042%; no homozygotes.

Submission:

Labcorp Genetics (formerly Invitae), Labcorp
Classification: Uncertain significance. Last evaluated: 2025-11-16. Review status: criteria provided, single submitter. Criteria: Invitae Variant Classification Sherloc (09022015). Collection method: clinical testing. Allele origin: germline.
Comment: This sequence change falls in intron 5 of the TFRC gene. It does not directly change the encoded amino acid sequence of the TFRC protein. This variant is present in population databases (no rsID available, gnomAD 0.03%). This variant has not been reported in the literature in individuals affected with TFRC-related conditions. Algorithms developed to predict the effect of sequence changes on RNA splicing suggest that this variant may disrupt the consensus splice site. In summary, the available evidence is currently insufficient to determine the role of this variant in disease. Therefore, it has been classified as a Variant of Uncertain Significance.